The following is an entry in ClinVar:

NM_001042492.3(NF1):c.6927del (p.Pro2310fs)

Gene: NF1 (neurofibromin 1; plus strand). Cytogenetic location: 17q11.2.
Variant type: Deletion.
Coding change: c.6927del on transcript NM_001042492.3 (MANE Select); coding-DNA position 6927, one base deleted (G; older notation c.6927delG).
Protein change: p.Pro2310fs; shifts the reading frame from proline 2310.
Molecular consequence: frameshift variant.
Genome position (GRCh38, 1-based): chr17:31,340,510, G deleted. VCF-style (leftmost placement, unchanged base first): chr17-31340509-CG-C. GRCh37 (hg19) VCF-style: chr17-29667527-CG-C.
Other names: c.6864delG, p.Pro2289Leufs (NM_000267.4); short protein forms P2310fs, P2289fs.
Identifiers: ClinVar variation 1402215 (VCV001402215.6), dbSNP rs2151561453, ClinGen allele CA645572252.

ClinVar aggregate classification (germline): Pathogenic (1 of 4 stars; one submission).

Conditions:
Neurofibromatosis, type 1 (NF1). Also called: NEUROFIBROMATOSIS, TYPE I, SOMATIC; Peripheral type neurofibromatosis; Neurofibromatosis, type I; VON RECKLINGHAUSEN DISEASE. Identifiers: Orphanet 636, MedGen C0027831, MONDO:0018975, OMIM 162200. Disease mechanism: loss of function.

Submission:

Labcorp Genetics (formerly Invitae), Labcorp
Classification: Pathogenic for Neurofibromatosis, type 1. Last evaluated: 2021-09-09. Review status: criteria provided, single submitter. Criteria: Invitae Variant Classification Sherloc (09022015). Collection method: clinical testing. Allele origin: germline.
Comment: This sequence change creates a premature translational stop signal (p.Pro2289Leufs*9) in the NF1 gene. It is expected to result in an absent or disrupted protein product. Loss-of-function variants in NF1 are known to be pathogenic (PMID: 10712197, 23913538). This variant is not present in population databases (ExAC no frequency). This variant has not been reported in the literature in individuals affected with NF1-related conditions. For these reasons, this variant has been classified as Pathogenic.

Literature cited by the submitters: PubMed 10712197; PubMed 23913538.